The following is an entry in ClinVar:

NM_002838.5(PTPRC):c.1587T>C (p.Val529=)

Gene: PTPRC (protein tyrosine phosphatase receptor type C; plus strand). Cytogenetic location: 1q32.1.
Variant type: single nucleotide variant.
Coding change: c.1587T>C on transcript NM_002838.5 (MANE Select); coding-DNA position 1587, T replaced by C.
Protein change: p.Val529=; no amino-acid change (valine 529 retained).
Molecular consequence: synonymous variant.
Genome position (GRCh38, 1-based): chr1:198,718,230, T>C. VCF-style: chr1-198718230-T-C. GRCh37 (hg19) VCF-style: chr1-198687359-T-C.
Other names: c.1104T>C, p.Val368= (NM_080921.4).
Identifiers: ClinVar variation 2639713 (VCV002639713.24), dbSNP rs2527867947, ClinGen allele CA422678361.

ClinVar aggregate classification (germline): Likely benign (1 of 4 stars; one submission).

Submission:

CeGaT Center for Human Genetics Tuebingen
Classification: Likely benign. Last evaluated: 2023-04-01. Review status: criteria provided, single submitter. Criteria: CeGaT Center For Human Genetics Tuebingen Variant Classification Criteria Version 2. Collection method: clinical testing. Allele origin: germline. Affected: yes. Observed: 1 variant allele.
Comment: PTPRC: PM2:Supporting, BP4, BP7